The following is an entry in ClinVar:

NM_001042413.2(GLIS3):c.2060C>T (p.Ser687Phe)

Genes: GLIS3 (GLIS family zinc finger 3; minus strand), GLIS3-AS1 (GLIS3 antisense RNA 1; plus strand). Cytogenetic location: 9p24.2.
Variant type: single nucleotide variant.
Coding change: c.2060C>T on transcript NM_001042413.2 (MANE Select); coding-DNA position 2060, C replaced by T.
Protein change: p.Ser687Phe; replaces serine 687 with phenylalanine.
Molecular consequence: missense variant. On other transcripts: non-coding transcript variant (1).
Genome position (GRCh38, 1-based): chr9:3,898,759, G>A on the plus strand (C>T on the coding strand, the complement: GLIS3 is on the minus strand). VCF-style: chr9-3898759-G-A. GRCh37 (hg19) VCF-style: chr9-3898759-G-A.
Other names: c.1595C>T, p.Ser532Phe (NM_152629.4); short protein forms S687F, S532F.
Identifiers: ClinVar variation 366958 (VCV000366958.13), dbSNP rs374929970, ClinGen allele CA4967967.

ClinVar aggregate classification (germline): Conflicting classifications of pathogenicity. Review status: criteria provided, conflicting classifications (1 of 4 stars). 4 submissions from 4 submitters: Uncertain significance (3); Likely benign (1). Last evaluated 2025-07-28.

Conditions:
Neonatal diabetes mellitus with congenital hypothyroidism. Also called: NDH SYNDROME. Identifiers: Orphanet 79118, MedGen C1857775, MONDO:0012436, OMIM 610199.

Allele frequency attached by ClinVar (database versions not stated): ESP Exome Variant Server 0.00008; 1000 Genomes Project 30x 0.00016; ExAC 0.00016; 1000 Genomes Project 0.00020; gnomAD 0.00025 and 0.00027; gnomAD exomes 0.00027; TOPMed 0.00034.
gnomAD v4.1: 225 of 1,614,186 alleles (0.014%); highest among the groups gnomAD compares: Admixed American, 0.16%; 1 homozygote.

Submissions (4):

Labcorp Genetics (formerly Invitae), Labcorp
Classification: Uncertain significance. Last evaluated: 2025-07-28. Review status: criteria provided, single submitter. Criteria: Invitae Variant Classification Sherloc (09022015). Collection method: clinical testing. Allele origin: germline.
Comment: This sequence change replaces serine, which is neutral and polar, with phenylalanine, which is neutral and non-polar, at codon 532 of the GLIS3 protein (p.Ser532Phe). This variant is present in population databases (rs374929970, gnomAD 0.2%). This missense change has been observed in individual(s) with diabetes and/or obesity (PMID: 38051360). This variant is also known as c.2060C>T (p.S687F). ClinVar contains an entry for this variant (Variation ID: 366958). An algorithm developed to predict the effect of missense changes on protein structure and function (PolyPhen-2) suggests that this variant is likely to be disruptive. Experimental studies have shown that this missense change affects GLIS3 function (PMID: 38051360). In summary, the available evidence is currently insufficient to determine the role of this variant in disease. Therefore, it has been classified as a Variant of Uncertain Significance.

Fulgent Genetics
Classification: Likely benign for Neonatal diabetes mellitus with congenital hypothyroidism. Last evaluated: 2024-05-01. Review status: criteria provided, single submitter. Criteria: ACMG Guidelines, 2015. Collection method: clinical testing. Allele origin: germline.

Baylor Genetics
Classification: Uncertain significance for Neonatal diabetes mellitus with congenital hypothyroidism. Last evaluated: 2020-06-05. Review status: criteria provided, single submitter. Criteria: ACMG Guidelines, 2015. Collection method: clinical testing. Allele origin: unknown. Affected: yes.
Comment: This variant was determined to be of uncertain significance according to ACMG Guidelines, 2015 [PMID:25741868].

Illumina Laboratory Services, Illumina
Classification: Uncertain significance for Neonatal diabetes mellitus with congenital hypothyroidism. Last evaluated: 2018-01-12. Review status: criteria provided, single submitter. Criteria: ICSL Variant Classification Criteria 13 December 2019. Collection method: clinical testing. Allele origin: germline.

Literature cited by the submitters: PubMed 38051360 (cited by Labcorp Genetics (formerly Invitae), Labcorp).